The following is an entry in ClinVar:

ClinVar aggregate classification (germline): Uncertain significance. Review status: criteria provided, multiple submitters, no conflicts (2 of 4 stars). 2 submissions from 2 submitters: Uncertain significance (2). Last evaluated 2025-04-09.

Conditions:
Developmental delay with or without epilepsy (DEVEP). Identifiers: MedGen C5882702, MONDO:0957815, OMIM 620540.
Early-infantile DEE. Also called: Ohtahara syndrome; Early infantile epileptic encephalopathy with suppression bursts; Early infantile epileptic encephalopathy. Identifiers: Orphanet 1934, MedGen C0393706, MONDO:0800491.

Allele frequency attached by ClinVar (database versions not stated): gnomAD exomes below 0.00001; TOPMed below 0.00001; ExAC 0.00001.
gnomAD v4.1: 3 of 1,614,192 alleles (0.00019%); highest among the groups gnomAD compares: Non-Finnish European, 0.00017%; no homozygotes.

Submissions (2):

3billion
Classification: Uncertain significance for Developmental delay with or without epilepsy. Last evaluated: 2025-04-09. Review status: criteria provided, single submitter. Criteria: ACMG Guidelines, 2015. Collection method: clinical testing. Allele origin: germline. Affected: yes.

Labcorp Genetics (formerly Invitae), Labcorp
Classification: Uncertain significance for Early-infantile DEE. Last evaluated: 2022-06-08. Review status: criteria provided, single submitter. Criteria: Invitae Variant Classification Sherloc (09022015). Collection method: clinical testing. Allele origin: germline.
Comment: In summary, the available evidence is currently insufficient to determine the role of this variant in disease. Therefore, it has been classified as a Variant of Uncertain Significance. Algorithms developed to predict the effect of sequence changes on RNA splicing suggest that this variant may create or strengthen a splice site. Algorithms developed to predict the effect of missense changes on protein structure and function (SIFT, PolyPhen-2, Align-GVGD) all suggest that this variant is likely to be disruptive. This variant is present in population databases (rs754299854, gnomAD 0.0009%). This sequence change replaces arginine, which is basic and polar, with glutamine, which is neutral and polar, at codon 1776 of the SPTAN1 protein (p.Arg1776Gln). This variant has not been reported in the literature in individuals affected with SPTAN1-related conditions. ClinVar contains an entry for this variant (Variation ID: 834175).

Literature cited by the submitters: PubMed 29050398 (cited by 3billion).

NM_001130438.3(SPTAN1):c.5327G>A (p.Arg1776Gln)

Gene: SPTAN1 (spectrin alpha, non-erythrocytic 1; plus strand). Cytogenetic location: 9q34.11.
Variant type: single nucleotide variant.
Coding change: c.5327G>A on transcript NM_001130438.3 (MANE Select); coding-DNA position 5327, G replaced by A.
Protein change: p.Arg1776Gln; replaces arginine 1776 with glutamine.
Molecular consequence: missense variant.
Genome position (GRCh38, 1-based): chr9:128,615,810, G>A. VCF-style: chr9-128615810-G-A. GRCh37 (hg19) VCF-style: chr9-131378089-G-A.
Other names: c.5252G>A, p.Arg1751Gln (NM_001195532.2); c.5327G>A, p.Arg1776Gln (NM_001363759.2, NM_001375310.1, NM_001375311.2 and 1 more transcripts); c.5267G>A, p.Arg1756Gln (NM_001363765.2, NM_001375314.2); c.5363G>A, p.Arg1788Gln (NM_001375312.2, NM_001375318.1); c.5312G>A, p.Arg1771Gln (NM_003127.4); short protein forms R1751Q, R1756Q, R1776Q, R1788Q, R1771Q.
Identifiers: ClinVar variation 834175 (VCV000834175.11), dbSNP rs754299854, ClinGen allele CA5265423.
Genomic context (GRCh38, chr9:128,615,810, plus strand): 5'-GCATGGCGGCCTCCCGGCGAGCCAAGCTGAATGAATCCCATCGCCTGCACCAGTTCTTCC[G>A]GGACATGGATGACGAGGAGTCCTGGATCAAGTATGTCTTCTCAGCCCTCTAGAAGGCCCC-3'
Protein context (NP_001123910.1, residues 1766-1786): NESHRLHQFF[Arg1776Gln]DMDDEESWIK